The following is an entry in ClinVar:

ClinVar aggregate classification (germline): Uncertain significance (1 of 4 stars; one submission).

Submission:

Labcorp Genetics (formerly Invitae), Labcorp
Classification: Uncertain significance. Last evaluated: 2024-02-23. Review status: criteria provided, single submitter. Criteria: Invitae Variant Classification Sherloc (09022015). Collection method: clinical testing. Allele origin: germline.
Comment: This sequence change falls in intron 22 of the COL4A4 gene. It does not directly change the encoded amino acid sequence of the COL4A4 protein. It affects a nucleotide within the consensus splice site. This variant is not present in population databases (gnomAD no frequency). This variant has been observed in individual(s) with clinical features of Alport syndrome (Invitae). Variants that disrupt the consensus splice site are a relatively common cause of aberrant splicing (PMID: 17576681, 9536098). Algorithms developed to predict the effect of sequence changes on RNA splicing suggest that this variant may disrupt the consensus splice site. In summary, the available evidence is currently insufficient to determine the role of this variant in disease. Therefore, it has been classified as a Variant of Uncertain Significance.

Literature cited by the submitters: PubMed 17576681; PubMed 9536098.

NM_000092.5(COL4A4):c.1623+3G>C

Gene: COL4A4 (collagen type IV alpha 4 chain; minus strand). Cytogenetic location: 2q36.3.
Variant type: single nucleotide variant.
Coding change: c.1623+3G>C on transcript NM_000092.5 (MANE Select); 3 bases into the intron after coding-DNA position 1623, G replaced by C.
Molecular consequence: intron variant.
Genome position (GRCh38, 1-based): chr2:227,088,650, C>G on the plus strand (G>C on the coding strand, the complement: COL4A4 is on the minus strand). VCF-style: chr2-227088650-C-G. GRCh37 (hg19) VCF-style: chr2-227953366-C-G.
Identifiers: ClinVar variation 2711386 (VCV002711386.3), dbSNP rs2475021545, ClinGen allele CA2697550478.